The following is an entry in ClinVar:

NM_001556.3(IKBKB):c.477+2T>C

Gene: IKBKB (inhibitor of nuclear factor kappa B kinase subunit beta; plus strand). Cytogenetic location: 8p11.21.
Variant type: single nucleotide variant.
Coding change: c.477+2T>C on transcript NM_001556.3 (MANE Select); the canonical splice donor site of the intron after coding-DNA position 477, T replaced by C.
Molecular consequence: splice donor variant.
Genome position (GRCh38, 1-based): chr8:42,305,277, T>C. VCF-style: chr8-42305277-T-C. GRCh37 (hg19) VCF-style: chr8-42162795-T-C.
Other names: c.300+2T>C (NM_001242778.2); c.285+2T>C (NM_001190720.3).
Identifiers: ClinVar variation 2658583 (VCV002658583.24), dbSNP rs2487503753, ClinGen allele CA371094528.

ClinVar aggregate classification (germline): Likely pathogenic (1 of 4 stars; one submission).

Allele frequency attached by ClinVar (database versions not stated): gnomAD exomes below 0.00001.
gnomAD v4.1: 1 of 1,601,158 alleles (0.000062%); highest among the groups gnomAD compares: Non-Finnish European, 0.000086%; no homozygotes.

Submission:

CeGaT Center for Human Genetics Tuebingen
Classification: Likely pathogenic. Last evaluated: 2023-10-01. Review status: criteria provided, single submitter. Criteria: CeGaT Center For Human Genetics Tuebingen Variant Classification Criteria Version 2. Collection method: clinical testing. Allele origin: germline. Affected: yes. Observed: 1 variant allele.
Comment: IKBKB: PVS1:Strong, PM2